The following is an entry in ClinVar:

ClinVar aggregate classification (germline): Uncertain significance (1 of 4 stars; one submission).

Submission:

Ambry Genetics
Classification: Uncertain significance. Last evaluated: 2023-09-10. Review status: criteria provided, single submitter. Criteria: Ambry Variant Classification Scheme 2023. Collection method: clinical testing. Allele origin: germline.
Comment: The p.T377P variant (also known as c.1129A>C), located in coding exon 3 of the TERF2IP gene, results from an A to C substitution at nucleotide position 1129. The threonine at codon 377 is replaced by proline, an amino acid with highly similar properties. This amino acid position is conserved. In addition, this alteration is predicted to be tolerated by in silico analysis. Since supporting evidence is limited at this time, the clinical significance of this alteration remains unclear.

NM_018975.4(TERF2IP):c.1129A>C (p.Thr377Pro)

Gene: TERF2IP (TERF2 interacting protein; plus strand). Cytogenetic location: 16q23.1.
Variant type: single nucleotide variant.
Coding change: c.1129A>C on transcript NM_018975.4 (MANE Select); coding-DNA position 1129, A replaced by C.
Protein change: p.Thr377Pro; replaces threonine 377 with proline.
Molecular consequence: missense variant. On other transcripts: non-coding transcript variant (1).
Genome position (GRCh38, 1-based): chr16:75,656,540, A>C. VCF-style: chr16-75656540-A-C. GRCh37 (hg19) VCF-style: chr16-75690438-A-C.
Other names: short protein forms T377P.
Identifiers: ClinVar variation 2625601 (VCV002625601.2), dbSNP rs2507089952, ClinGen allele CA396820326.